The following is an entry in ClinVar:

NM_007294.4(BRCA1):c.71_72insA (p.Cys24Ter)

Gene: BRCA1 (BRCA1 DNA repair associated; minus strand). Cytogenetic location: 17q21.31.
Variant type: Insertion.
Coding change: c.71_72insA on transcript NM_007294.4 (MANE Select); coding-DNA positions 71 to 72, A inserted.
Protein change: p.Cys24Ter; replaces cysteine 24 with a stop codon.
Molecular consequence: nonsense. On other transcripts: frameshift variant (194), 5 prime UTR variant (1), non-coding transcript variant (1).
Genome position: GRCh38 VCF-style: chr17-43124025-A-AT. GRCh37 (hg19) VCF-style: chr17-41276042-A-AT.
Other names: c.-118_-117insA (NM_001407571.1, NM_001407853.1, NM_001407879.1 and 46 more transcripts); c.71_72insA, p.Cys24Terfs (NM_001407581.1, NM_001407582.1, NM_001407583.1 and 191 more transcripts); c.-187_-186insA (NM_001407694.1, NM_001407724.1, NM_001407727.1 and 11 more transcripts); c.-191_-190insA (NM_001407695.1, NM_001408465.1); c.-332_-331insA (NM_001407696.1); c.-216_-215insA (NM_001407697.1, NM_001407846.1, NM_001407920.1); c.-17_-16insA (NM_001407698.1, NM_001407732.1, NM_001407736.1 and 23 more transcripts); c.-190_-189insA (NM_001407725.1, NM_001407730.1, NM_001407734.1 and 22 more transcripts); and 9 more; short protein forms C24*.
Identifiers: ClinVar variation 548320 (VCV000548320.2), dbSNP rs1555600873, ClinGen allele CA658823844.

ClinVar aggregate classification (germline): Pathogenic (3 of 4 stars; one submission).

Conditions:
Breast-ovarian cancer, familial, susceptibility to, 1 (BROVCA1). Also called: BRCA1 Hereditary Breast and Ovarian Cancer; OVARIAN CANCER, SUSCEPTIBILITY TO. Identifiers: Orphanet 145, MedGen C2676676, MONDO:0011450, OMIM 604370. Disease mechanism: loss of function.

Submission:

Evidence-based Network for the Interpretation of Germline Mutant Alleles (ENIGMA)
Classification: Pathogenic for Breast-ovarian cancer, familial, susceptibility to, 1. Last evaluated: 2017-12-15. Review status: reviewed by expert panel. Criteria: ENIGMA BRCA1/2 Classification Criteria (2017-06-29). Collection method: curation. Allele origin: germline. Study: ENIGMA.
Comment: Variant allele predicted to encode a truncated non-functional protein.